The following is an entry in ClinVar:

ClinVar aggregate classification (germline): Conflicting classifications of pathogenicity. Review status: criteria provided, conflicting classifications (1 of 4 stars). 5 submissions from 5 submitters: Uncertain significance (2); Likely benign (2). 1 of the submissions does not count toward it. Last evaluated 2026-01-02.

Conditions:
3-methylcrotonyl-CoA carboxylase 1 deficiency (MCC1D). Also called: MCCD TYPE 1; METHYLCROTONYLGLYCINURIA TYPE I; MCC 1 deficiency; 3 Alpha methylcrotonylglycinuria 1. Identifiers: Orphanet 6, MedGen CN028786, MONDO:0008861, OMIM 210200.

Allele frequency attached by ClinVar (database versions not stated): ESP Exome Variant Server 0.00038; gnomAD 0.00055 and 0.00058; gnomAD exomes 0.00060 and 0.00078; TOPMed 0.00061; ExAC 0.00073; 1000 Genomes Project 30x 0.00078; 1000 Genomes Project 0.00080.
gnomAD v4.1: 961 of 1,614,192 alleles (0.06%); highest among the groups gnomAD compares: Admixed American, 0.19%; 2 homozygotes.

Submissions (5):

Labcorp Genetics (formerly Invitae), Labcorp
Classification: Likely benign for 3-methylcrotonyl-CoA carboxylase 1 deficiency. Last evaluated: 2026-01-02. Review status: criteria provided, single submitter. Criteria: Invitae Variant Classification Sherloc (09022015). Collection method: clinical testing. Allele origin: germline.

Blueprint Genetics
Classification: Likely benign. Last evaluated: 2024-11-08. Review status: criteria provided, single submitter. Criteria: ACMG Guidelines, 2015. Collection method: clinical testing. Allele origin: germline.

GeneDx
Classification: Uncertain significance. Last evaluated: 2023-09-12. Review status: criteria provided, single submitter. Criteria: GeneDx Variant Classification Process June 2021. Collection method: clinical testing. Allele origin: germline. Affected: yes.
Comment: In silico analysis supports that this missense variant has a deleterious effect on protein structure/function; Has not been previously published as pathogenic or benign to our knowledge

Illumina Laboratory Services, Illumina
Classification: Uncertain significance for 3-methylcrotonyl-CoA carboxylase 1 deficiency. Last evaluated: 2018-01-13. Review status: criteria provided, single submitter. Criteria: ICSL Variant Classification Criteria 13 December 2019. Collection method: clinical testing. Allele origin: germline.

Natera, Inc.
Classification: Likely benign for 3-methylcrotonyl-CoA carboxylase 1 deficiency. Last evaluated: 2020-06-05. Review status: no assertion criteria provided. Collection method: clinical testing. Allele origin: germline. Not counted in ClinVar's aggregate classification.

NM_020166.5(MCCC1):c.254A>C (p.Asn85Thr)

Gene: MCCC1 (methylcrotonyl-CoA carboxylase subunit 1; minus strand). Cytogenetic location: 3q27.1.
Variant type: single nucleotide variant.
Coding change: c.254A>C on transcript NM_020166.5 (MANE Select); coding-DNA position 254, A replaced by C.
Protein change: p.Asn85Thr; replaces asparagine 85 with threonine.
Molecular consequence: missense variant. On other transcripts: non-coding transcript variant (1), intron variant (2).
Genome position (GRCh38, 1-based): chr3:183,092,428, T>G on the plus strand (A>C on the coding strand, the complement: MCCC1 is on the minus strand). VCF-style: chr3-183092428-T-G. GRCh37 (hg19) VCF-style: chr3-182810216-T-G.
Other names: c.-55+2131A>C (NM_001363880.1); c.44+2131A>C (NM_001293273.2); short protein forms N85T.
Identifiers: ClinVar variation 697944 (VCV000697944.17), dbSNP rs148616219, ClinGen allele CA2719160.